The following is an entry in ClinVar:

ClinVar aggregate classification (germline): Uncertain significance. Review status: criteria provided, single submitter (1 of 4 stars). 2 submissions from 2 submitters: Uncertain significance (1). 1 of the submissions does not count toward it. Last evaluated 2022-05-17.

Conditions:
Bardet-Biedl syndrome (BBS). Identifiers: Orphanet 110, MedGen C0752166, MONDO:0015229.
BBS5-related disorder. Also called: BBS5-related condition.

Allele frequency attached by ClinVar (database versions not stated): ExAC 0.00002; gnomAD 0.00003; gnomAD exomes 0.00003; TOPMed 0.00003.
gnomAD v4.1: 41 of 1,613,882 alleles (0.0025%); highest among the groups gnomAD compares: Non-Finnish European, 0.0024%; no homozygotes.

Submissions (2):

Labcorp Genetics (formerly Invitae), Labcorp
Classification: Uncertain significance for Bardet-Biedl syndrome. Last evaluated: 2022-05-17. Review status: criteria provided, single submitter. Criteria: Invitae Variant Classification Sherloc (09022015). Collection method: clinical testing. Allele origin: germline.
Comment: This sequence change replaces tyrosine, which is neutral and polar, with aspartic acid, which is acidic and polar, at codon 267 of the BBS5 protein (p.Tyr267Asp). This variant is present in population databases (rs749106175, gnomAD 0.03%). This variant has not been reported in the literature in individuals affected with BBS5-related conditions. Algorithms developed to predict the effect of missense changes on protein structure and function (SIFT, PolyPhen-2, Align-GVGD) all suggest that this variant is likely to be disruptive. In summary, the available evidence is currently insufficient to determine the role of this variant in disease. Therefore, it has been classified as a Variant of Uncertain Significance.

PreventionGenetics, part of Exact Sciences
Classification: Uncertain significance for BBS5-related condition. Last evaluated: 2023-12-13. Review status: no assertion criteria provided. Collection method: clinical testing. Allele origin: germline. Not counted in ClinVar's aggregate classification.
Comment: The BBS5 c.799T>G variant is predicted to result in the amino acid substitution p.Tyr267Asp. To our knowledge, this variant has not been reported in the literature. This variant is reported in 0.032% of alleles in individuals of European (Finnish) descent in gnomAD. At this time, the clinical significance of this variant is uncertain due to the absence of conclusive functional and genetic evidence.

NM_152384.3(BBS5):c.799T>G (p.Tyr267Asp)

Gene: BBS5 (Bardet-Biedl syndrome 5; plus strand). Cytogenetic location: 2q31.1.
Variant type: single nucleotide variant.
Coding change: c.799T>G on transcript NM_152384.3 (MANE Select); coding-DNA position 799, T replaced by G.
Protein change: p.Tyr267Asp; replaces tyrosine 267 with aspartic acid.
Molecular consequence: missense variant.
Genome position (GRCh38, 1-based): chr2:169,499,603, T>G. VCF-style: chr2-169499603-T-G. GRCh37 (hg19) VCF-style: chr2-170356113-T-G.
Other names: c.799T>G (NM_152384.2); short protein forms Y267D.
Identifiers: ClinVar variation 1930070 (VCV001930070.4), dbSNP rs749106175, ClinGen allele CA1956318.